The following is an entry in ClinVar:

NM_001201550.3(CFHR4):c.1358-4dup

Gene: CFHR4 (complement factor H related 4; plus strand). Cytogenetic location: 1q31.3.
Variant type: Duplication.
Coding change: c.1358-4dup on transcript NM_001201550.3 (MANE Select); 4 bases into the intron before coding-DNA position 1358, one base duplicated (T; older notation c.1358-4dupT).
Molecular consequence: intron variant.
Genome position (GRCh38, 1-based): chr1:196,914,952, T duplicated; the last of 8 consecutive T bases (chr1:196,914,945-196,914,952); duplicating any one gives the same sequence. VCF-style (leftmost placement, unchanged base first): chr1-196914944-A-AT. GRCh37 (hg19) VCF-style: chr1-196884074-A-AT.
Other names: c.617-4dup (NM_006684.5); c.1355-4dup (NM_001201551.2); c.1358-4dupT (NM_001201550.3).
Identifiers: ClinVar variation 4689110 (VCV004689110.1).

ClinVar aggregate classification (germline): Likely benign (1 of 4 stars; one submission).

Submission:

Women's Health and Genetics/Laboratory Corporation of America, LabCorp
Classification: Likely benign. Last evaluated: 2026-01-22. Review status: criteria provided, single submitter. Criteria: LabCorp Variant Classification Summary - May 2015. Collection method: clinical testing. Allele origin: germline.
Comment: Variant summary: CFHR4 c.1358-4dupT alters a nucleotide located at a position not widely known to affect splicing. Consensus agreement among computation tools predict no significant impact on normal splicing. However, these predictions have yet to be confirmed by functional studies. The frequency data for this variant in gnomAD is considered unreliable, as metrics indicate poor data quality at this position. To our knowledge, no occurrence of c.1358-4dupT in individuals affected with CFHR4-related conditions and no experimental evidence demonstrating its impact on protein function have been reported. No submitters have cited clinical-significance assessments for this variant to ClinVar. Based on the evidence outlined above, the variant was classified as likely benign.